The following is an entry in ClinVar:

NM_000051.4(ATM):c.874C>A (p.Pro292Thr)

Gene: ATM (ATM serine/threonine kinase; plus strand). Cytogenetic location: 11q22.3.
Variant type: single nucleotide variant.
Coding change: c.874C>A on transcript NM_000051.4 (MANE Select); coding-DNA position 874, C replaced by A.
Protein change: p.Pro292Thr; replaces proline 292 with threonine.
Molecular consequence: missense variant.
Genome position (GRCh38, 1-based): chr11:108,244,999, C>A. VCF-style: chr11-108244999-C-A. GRCh37 (hg19) VCF-style: chr11-108115726-C-A.
Other names: c.874C>A, p.Pro292Thr (NM_001351834.2); short protein forms P292T.
Identifiers: ClinVar variation 2568213 (VCV002568213.2), dbSNP rs2135243427, ClinGen allele CA382529546.

ClinVar aggregate classification (germline): Uncertain significance (1 of 4 stars; one submission).

Conditions:
Hereditary cancer-predisposing syndrome. Also called: Hereditary neoplastic syndrome; Hereditary Cancer Syndrome; Neoplastic Syndromes, Hereditary; Tumor predisposition. Identifiers: Orphanet 140162, MedGen C0027672, MeSH D009386, MONDO:0015356.

Submission:

Ambry Genetics
Classification: Uncertain significance for Hereditary cancer-predisposing syndrome. Last evaluated: 2023-05-20. Review status: criteria provided, single submitter. Criteria: Ambry Variant Classification Scheme 2023. Collection method: clinical testing. Allele origin: germline.
Comment: The p.P292T variant (also known as c.874C>A), located in coding exon 6 of the ATM gene, results from a C to A substitution at nucleotide position 874. The proline at codon 292 is replaced by threonine, an amino acid with highly similar properties. This amino acid position is highly conserved in available vertebrate species. In addition, this alteration is predicted to be deleterious by in silico analysis. Since supporting evidence is limited at this time, the clinical significance of this alteration remains unclear.